The following is an entry in ClinVar:

ClinVar aggregate classification (germline): Benign. Review status: criteria provided, multiple submitters, no conflicts (2 of 4 stars). 2 submissions from 2 submitters: Benign (2). Last evaluated 2018-06-18.

Allele frequency attached by ClinVar (database versions not stated): 1000 Genomes Project 0.51797; 1000 Genomes Project 30x 0.51968; TOPMed 0.52271; gnomAD 0.53147 and 0.53787; gnomAD exomes 0.60686.
gnomAD v4.1: 350,430 of 595,292 alleles (59%); highest among the groups gnomAD compares: Admixed American, 66%; 106,182 homozygotes.

Submissions (2):

GeneDx
Classification: Benign. Last evaluated: 2018-06-18. Review status: criteria provided, single submitter. Criteria: GeneDx Variant Classification (06012015). Collection method: clinical testing. Allele origin: germline. Affected: yes.
Comment: This variant is considered likely benign or benign based on one or more of the following criteria: it is a conservative change, it occurs at a poorly conserved position in the protein, it is predicted to be benign by multiple in silico algorithms, and/or has population frequency not consistent with disease.

Breakthrough Genomics
Classification: Benign. Review status: criteria provided, single submitter. Criteria: ACMG Guidelines, 2015. Collection method: not provided. Allele origin: germline. Inheritance: Autosomal dominant inheritance. Affected: yes.

NM_001276345.2(TNNT2):c.199+258C>T

Gene: TNNT2 (troponin T2, cardiac type; minus strand). Cytogenetic location: 1q32.1.
Variant type: single nucleotide variant.
Coding change: c.199+258C>T on transcript NM_001276345.2 (MANE Select); 258 bases into the intron after coding-DNA position 199, C replaced by T.
Molecular consequence: intron variant.
Genome position (GRCh38, 1-based): chr1:201,367,513, G>A on the plus strand (C>T on the coding strand, the complement: TNNT2 is on the minus strand). VCF-style: chr1-201367513-G-A. GRCh37 (hg19) VCF-style: chr1-201336641-G-A.
Other names: c.154+258C>T (NM_001001432.3); c.169+258C>T (NM_001001431.3, NM_001001430.3, NM_001276347.2); c.196+258C>T (NM_001276346.2); c.199+258C>T (NM_000364.4).
Identifiers: ClinVar variation 684018 (VCV000684018.2), dbSNP rs1892028, ClinGen allele CA10855105.